The following is an entry in ClinVar:

NM_005188.4(CBL):c.1137A>C (p.Gln379His)

Gene: CBL (Cbl proto-oncogene; plus strand). Cytogenetic location: 11q23.3.
Variant type: single nucleotide variant.
Coding change: c.1137A>C on transcript NM_005188.4 (MANE Select); coding-DNA position 1137, A replaced by C.
Protein change: p.Gln379His; replaces glutamine 379 with histidine.
Molecular consequence: missense variant.
Genome position (GRCh38, 1-based): chr11:119,278,207, A>C. VCF-style: chr11-119278207-A-C. GRCh37 (hg19) VCF-style: chr11-119148917-A-C.
Other names: short protein forms Q379H.
Identifiers: ClinVar variation 1447517 (VCV001447517.8), dbSNP rs757933118, ClinGen allele CA382912459.

ClinVar aggregate classification (germline): Uncertain significance (1 of 4 stars; one submission).

Conditions:
RASopathy. Also called: Noonan spectrum disorder; rasopathies. Identifiers: Orphanet 536391, MedGen C5555857, MONDO:0021060.

gnomAD v4.1: 1 of 1,611,650 alleles (0.000062%); highest among the groups gnomAD compares: Non-Finnish European, 0.000085%; no homozygotes.

Submission:

Labcorp Genetics (formerly Invitae), Labcorp
Classification: Uncertain significance for RASopathy. Last evaluated: 2025-02-09. Review status: criteria provided, single submitter. Criteria: Invitae Variant Classification Sherloc (09022015). Collection method: clinical testing. Allele origin: germline.
Comment: This sequence change replaces glutamine, which is neutral and polar, with histidine, which is basic and polar, at codon 379 of the CBL protein (p.Gln379His). This variant is not present in population databases (gnomAD no frequency). This variant has not been reported in the literature in individuals affected with CBL-related conditions. ClinVar contains an entry for this variant (Variation ID: 1447517). Invitae Evidence Modeling of protein sequence and biophysical properties (such as structural, functional, and spatial information, amino acid conservation, physicochemical variation, residue mobility, and thermodynamic stability) indicates that this missense variant is expected to disrupt CBL protein function with a positive predictive value of 95%. In summary, the available evidence is currently insufficient to determine the role of this variant in disease. Therefore, it has been classified as a Variant of Uncertain Significance.